The following is an entry in ClinVar:

NM_014413.4(EIF2AK1):c.1463C>T (p.Thr488Met)

Gene: EIF2AK1 (eukaryotic translation initiation factor 2 alpha kinase 1; minus strand). Cytogenetic location: 7p22.1.
Variant type: single nucleotide variant.
Coding change: c.1463C>T on transcript NM_014413.4 (MANE Select); coding-DNA position 1463, C replaced by T.
Protein change: p.Thr488Met; replaces threonine 488 with methionine.
Molecular consequence: missense variant.
Genome position (GRCh38, 1-based): chr7:6,028,682, G>A on the plus strand (C>T on the coding strand, the complement: EIF2AK1 is on the minus strand). VCF-style: chr7-6028682-G-A. GRCh37 (hg19) VCF-style: chr7-6068313-G-A.
Other names: c.1460C>T, p.Thr487Met (NM_001134335.2); short protein forms T488M, T487M.
Identifiers: ClinVar variation 4017071 (VCV004017071.2).

ClinVar aggregate classification (germline): Conflicting classifications of pathogenicity. Review status: criteria provided, conflicting classifications (1 of 4 stars). 2 submissions from 2 submitters: Uncertain significance (1); Likely benign (1). Last evaluated 2026-02-18.

Conditions:
Leukoencephalopathy, motor delay, spasticity, and dysarthria syndrome. Also called: LEMSPAD SYNDROME. Identifiers: MedGen C5394371, MONDO:0030036, OMIM 618878.

gnomAD v4.1: 26 of 1,614,100 alleles (0.0016%); highest among the groups gnomAD compares: South Asian, 0.013%; no homozygotes.

Submissions (2):

Centre for Medical Genetics,  Mumbai
Classification: Likely benign for Leukoencephalopathy, motor delay, spasticity, and dysarthria syndrome. Last evaluated: 2026-02-18. Review status: criteria provided, single submitter. Criteria: ACMG Guidelines, 2015. Collection method: provider interpretation. Allele origin: germline. Inheritance: Autosomal dominant inheritance. Affected: no. Observed: 1 heterozygote.
Comment: The variant satisfies PM2 criteria; extremely low frequency in gnomAD population databases. However, the variant satisfies BS2 criteria.

Ambry Genetics
Classification: Uncertain significance. Last evaluated: 2025-06-07. Review status: criteria provided, single submitter. Criteria: Ambry Variant Classification Scheme 2023. Collection method: clinical testing. Allele origin: germline.

Literature cited by the submitters: PubMed 32197074 (cited by Centre for Medical Genetics,  Mumbai).